The following is an entry in ClinVar:

ClinVar aggregate classification (germline): Uncertain significance (1 of 4 stars; one submission).

Conditions:
Hypertrophic cardiomyopathy. Also called: HYPERTROPHIC MYOCARDIOPATHY. Identifiers: Orphanet 217569, MedGen C0007194, MeSH D002312, MONDO:0005045, HP:0001639.

Submission:

Labcorp Genetics (formerly Invitae), Labcorp
Classification: Uncertain significance for Hypertrophic cardiomyopathy. Last evaluated: 2025-08-17. Review status: criteria provided, single submitter. Criteria: Invitae Variant Classification Sherloc (09022015). Collection method: clinical testing. Allele origin: germline.
Comment: This sequence change replaces proline, which is neutral and non-polar, with threonine, which is neutral and polar, at codon 8 of the MYL3 protein (p.Pro8Thr). This variant is not present in population databases (gnomAD no frequency). This variant has not been reported in the literature in individuals affected with MYL3-related conditions. ClinVar contains an entry for this variant (Variation ID: 2831419). Experimental studies and prediction algorithms are not available or were not evaluated, and the functional significance of this variant is currently unknown. In summary, the available evidence is currently insufficient to determine the role of this variant in disease. Therefore, it has been classified as a Variant of Uncertain Significance.

NM_000258.3(MYL3):c.22C>A (p.Pro8Thr)

Gene: MYL3 (myosin light chain 3; minus strand). Cytogenetic location: 3p21.31.
Variant type: single nucleotide variant.
Coding change: c.22C>A on transcript NM_000258.3 (MANE Select); coding-DNA position 22, C replaced by A.
Protein change: p.Pro8Thr; replaces proline 8 with threonine.
Molecular consequence: missense variant.
Genome position (GRCh38, 1-based): chr3:46,863,369, G>T on the plus strand (C>A on the coding strand, the complement: MYL3 is on the minus strand). VCF-style: chr3-46863369-G-T. GRCh37 (hg19) VCF-style: chr3-46904859-G-T.
Other names: c.22C>A, p.Pro8Thr (NM_001406937.1, NM_001406938.1, NM_001406939.1); short protein forms P8T.
Identifiers: ClinVar variation 2831419 (VCV002831419.3), dbSNP rs2544972061, ClinGen allele CA352499909.